The following is an entry in ClinVar:

NM_005045.4(RELN):c.9443+192C>T

Genes: RELN (reelin; minus strand), SLC26A5-AS1 (SLC26A5 antisense RNA 1; plus strand). Cytogenetic location: 7q22.1.
Variant type: single nucleotide variant.
Coding change: c.9443+192C>T on transcript NM_005045.4 (MANE Select); 192 bases into the intron after coding-DNA position 9443, C replaced by T.
Molecular consequence: intron variant.
Genome position (GRCh38, 1-based): chr7:103,491,761, G>A on the plus strand (C>T on the coding strand, the complement: RELN is on the minus strand). VCF-style: chr7-103491761-G-A. GRCh37 (hg19) VCF-style: chr7-103132208-G-A.
Other names: c.9443+192C>T (NM_173054.3).
Identifiers: ClinVar variation 670928 (VCV000670928.1), dbSNP rs56690240, ClinGen allele CA12617644.

ClinVar aggregate classification (germline): Benign (1 of 4 stars; one submission).

Allele frequency attached by ClinVar (database versions not stated): gnomAD 0.18301 and 0.18360; TOPMed 0.18507; 1000 Genomes Project 0.21985; 1000 Genomes Project 30x 0.22236.
gnomAD v4.1: 27,592 of 150,578 alleles (18%); highest among the groups gnomAD compares: African/African-American, 26%; 2,701 homozygotes.

Submission:

GeneDx
Classification: Benign. Last evaluated: 2018-06-19. Review status: criteria provided, single submitter. Criteria: GeneDx Variant Classification (06012015). Collection method: clinical testing. Allele origin: germline. Affected: yes.
Comment: This variant is considered likely benign or benign based on one or more of the following criteria: it is a conservative change, it occurs at a poorly conserved position in the protein, it is predicted to be benign by multiple in silico algorithms, and/or has population frequency not consistent with disease.